The following is an entry in ClinVar:

ClinVar aggregate classification (germline): Uncertain significance (1 of 4 stars; one submission).

Conditions:
Inborn genetic diseases. Identifiers: MedGen C0950123, MeSH D030342.

Submission:

Ambry Genetics
Classification: Uncertain significance for Inborn genetic diseases. Last evaluated: 2025-01-17. Review status: criteria provided, single submitter. Criteria: Ambry Variant Classification Scheme 2023. Collection method: clinical testing. Allele origin: germline.
Comment: The p.T639I variant (also known as c.1916C>T), located in coding exon 13 of the ASXL1 gene, results from a C to T substitution at nucleotide position 1916. The threonine at codon 639 is replaced by isoleucine, an amino acid with similar properties. This amino acid position is conserved. In addition, this alteration is predicted to be tolerated by in silico analysis. Based on the available evidence, the clinical significance of this variant remains unclear.

NM_015338.6(ASXL1):c.1916C>T (p.Thr639Ile)

Gene: ASXL1 (ASXL transcriptional regulator 1; plus strand). Cytogenetic location: 20q11.21.
Variant type: single nucleotide variant.
Coding change: c.1916C>T on transcript NM_015338.6 (MANE Select); coding-DNA position 1916, C replaced by T.
Protein change: p.Thr639Ile; replaces threonine 639 with isoleucine.
Molecular consequence: missense variant.
Genome position (GRCh38, 1-based): chr20:32,434,628, C>T. VCF-style: chr20-32434628-C-T. GRCh37 (hg19) VCF-style: chr20-31022431-C-T.
Other names: c.1733C>T, p.Thr578Ile (NM_001363734.1); short protein forms T578I, T639I.
Identifiers: ClinVar variation 3792397 (VCV003792397.1).
Genomic context (GRCh38, chr20:32,434,628, plus strand): 5'-CCCGTGCTCTGCAGGTCCGAGGGGCGAGAGGTCACCACTGCCATAGAGAGGCGGCCACCA[C>T]TGCCATCGGAGGGGGGGGTGGCCCGGGTGGAGGTGGCGGCGGGGCCACCGATGAGGGAGG-3'
Protein context (NP_056153.2, residues 629-649): GHHCHREAAT[Thr639Ile]AIGGGGGPGG